The following is an entry in ClinVar:

ClinVar aggregate classification (germline): Uncertain significance (1 of 4 stars; one submission).

Conditions:
3-methylglutaconic aciduria, type VIIB (MGCA7B). Also called: 3-methylglutaconic aciduria with cataracts, neurologic involvement and neutropenia; 3-methylglutaconic aciduria, type VII, with cataracts, neurologic involvement and neutropenia; CLPB Deficiency. Identifiers: Orphanet 445038, MedGen C5676893, MONDO:0014561, OMIM 616271.

Submission:

Baylor Genetics
Classification: Uncertain significance for 3-methylglutaconic aciduria, type VIIB. Last evaluated: 2020-06-08. Review status: criteria provided, single submitter. Criteria: ACMG Guidelines, 2015. Collection method: clinical testing. Allele origin: unknown. Affected: yes.
Comment: This variant was determined to be of uncertain significance according to ACMG Guidelines, 2015 [PMID:25741868].

NM_001258392.3(CLPB):c.1666T>A (p.Phe556Ile)

Gene: CLPB (ClpB family mitochondrial disaggregase; minus strand). Cytogenetic location: 11q13.4.
Variant type: single nucleotide variant.
Coding change: c.1666T>A on transcript NM_001258392.3 (MANE Select); coding-DNA position 1666, T replaced by A.
Protein change: p.Phe556Ile; replaces phenylalanine 556 with isoleucine.
Molecular consequence: missense variant.
Genome position (GRCh38, 1-based): chr11:72,294,339, A>T on the plus strand (T>A on the coding strand, the complement: CLPB is on the minus strand). VCF-style: chr11-72294339-A-T. GRCh37 (hg19) VCF-style: chr11-72005383-A-T.
Other names: c.1579T>A, p.Phe527Ile (NM_001258393.3); c.1621T>A, p.Phe541Ile (NM_001258394.3); c.1756T>A, p.Phe586Ile (NM_030813.6); short protein forms F527I, F556I, F586I, F541I.
Identifiers: ClinVar variation 1029980 (VCV001029980.1), dbSNP rs1949509947, ClinGen allele CA381726155.
Genomic context (GRCh38, chr11:72,294,339, plus strand): 5'-CAGTGGCTGGCTATCCCGCCCCCACCCATGGGCAGTTCCCTCTTACTCTCTTGGCCCAGA[A>T]GTTTAGTTCCTTGTTGACGAGTTGGATGAGCTCCGAGTGGCAGAAGGGGAGGAAGTAGAC-3'
Protein context (NP_001245321.1, residues 546-566): LIQLVNKELN[Phe556Ile]WAKRAKQRHN